The following is an entry in ClinVar:

NM_001492.6(GDF1):c.817T>C (p.Tyr273His)

Genes: CERS1 (ceramide synthase 1; minus strand), GDF1 (growth differentiation factor 1; minus strand). Cytogenetic location: 19p13.11.
Variant type: single nucleotide variant.
Coding change: c.817T>C on transcript NM_001492.6 (MANE Select); coding-DNA position 817, T replaced by C.
Protein change: p.Tyr273His; replaces tyrosine 273 with histidine.
Molecular consequence: missense variant. On other transcripts: 3 prime UTR variant (2).
Genome position (GRCh38, 1-based): chr19:18,868,899, A>G on the plus strand (T>C on the coding strand, the complement: GDF1 is on the minus strand). VCF-style: chr19-18868899-A-G. GRCh37 (hg19) VCF-style: chr19-18979708-A-G.
Other names: c.*1678T>C (NM_001387440.1); c.*1086T>C (NM_021267.5); c.817T>C, p.Tyr273His (NM_001387438.1); short protein forms Y273H.
Identifiers: ClinVar variation 3356293 (VCV003356293.1).

ClinVar aggregate classification (germline): Uncertain significance (0 of 4 stars; one submission).

Conditions:
GDF1-related disorder. Also called: GDF1-related condition.

gnomAD v4.1: 3 of 1,405,560 alleles (0.00021%); highest among the groups gnomAD compares: African/African-American, 0.0015%; no homozygotes.

Submission:

PreventionGenetics, part of Exact Sciences
Classification: Uncertain significance for GDF1-related condition. Last evaluated: 2024-06-23. Review status: no assertion criteria provided. Collection method: clinical testing. Allele origin: germline.
Comment: The GDF1 c.817T>C variant is predicted to result in the amino acid substitution p.Tyr273His. To our knowledge, this variant has not been reported in the literature or in a large population database, indicating this variant is rare. At this time, the clinical significance of this variant is uncertain due to the absence of conclusive functional and genetic evidence.